The following is an entry in ClinVar:

ClinVar aggregate classification (germline): Uncertain significance (1 of 4 stars; one submission).

Allele frequency attached by ClinVar (database versions not stated): gnomAD 0.00001; gnomAD exomes 0.00001.
gnomAD v4.1: 7 of 1,613,088 alleles (0.00043%); highest among the groups gnomAD compares: Non-Finnish European, 0.00059%; no homozygotes.

Submission:

Labcorp Genetics (formerly Invitae), Labcorp
Classification: Uncertain significance. Last evaluated: 2026-01-17. Review status: criteria provided, single submitter. Criteria: Invitae Variant Classification Sherloc (09022015). Collection method: clinical testing. Allele origin: germline.
Comment: This sequence change falls in intron 14 of the CLCN7 gene. It does not directly change the encoded amino acid sequence of the CLCN7 protein. It affects a nucleotide within the consensus splice site. This variant is not present in population databases (gnomAD no frequency). This variant has not been reported in the literature in individuals affected with CLCN7-related conditions. ClinVar contains an entry for this variant (Variation ID: 1360107). Variants that disrupt the consensus splice site are a relatively common cause of aberrant splicing (PMID: 17576681, 9536098). Algorithms developed to predict the effect of sequence changes on RNA splicing suggest that this variant is not likely to affect RNA splicing. In summary, the available evidence is currently insufficient to determine the role of this variant in disease. Therefore, it has been classified as a Variant of Uncertain Significance.

Literature cited by the submitters: PubMed 17576681; PubMed 9536098.

NM_001287.6(CLCN7):c.1214+6G>A

Gene: CLCN7 (chloride voltage-gated channel 7; minus strand). Cytogenetic location: 16p13.3.
Variant type: single nucleotide variant.
Coding change: c.1214+6G>A on transcript NM_001287.6 (MANE Select); 6 bases into the intron after coding-DNA position 1214, G replaced by A.
Molecular consequence: intron variant.
Genome position (GRCh38, 1-based): chr16:1,453,828, C>T on the plus strand (G>A on the coding strand, the complement: CLCN7 is on the minus strand). VCF-style: chr16-1453828-C-T. GRCh37 (hg19) VCF-style: chr16-1503829-C-T.
Other names: c.1142+6G>A (NM_001114331.3).
Identifiers: ClinVar variation 1360107 (VCV001360107.6), dbSNP rs2038791732, ClinGen allele CA492922708.
Genomic context (GRCh38, chr16:1,453,828, plus strand): 5'-GTCCGCTTTCAAAGGGCCTGTGTGGCCACGCCTGCCAACGCGATATGCAATGCGGTTTCT[C>T]CTCACCTGATTCGAAACATGGTCAGCCAGTAGTTCAAGGCATTGAACACTGCTCCAAGCA-3'